The following is an entry in ClinVar:

NM_005859.5(PURA):c.116del (p.Gly39fs)

Gene: PURA (purine rich element binding protein A; plus strand). Cytogenetic location: 5q31.3.
Variant type: Deletion.
Coding change: c.116del on transcript NM_005859.5 (MANE Select); coding-DNA position 116, one base deleted (G; older notation c.116delG).
Protein change: p.Gly39fs; shifts the reading frame from glycine 39.
Molecular consequence: frameshift variant.
Genome position (GRCh38, 1-based): chr5:140,114,297, G deleted; the last of 5 consecutive G bases (chr5:140,114,293-140,114,297); deleting any one gives the same sequence. VCF-style (leftmost placement, unchanged base first): chr5-140114292-CG-C. GRCh37 (hg19) VCF-style: chr5-139493877-CG-C.
Other names: short protein forms G39fs.
Identifiers: ClinVar variation 3024540 (VCV003024540.4), dbSNP rs886041754, ClinGen allele CA2675565414.

ClinVar aggregate classification (germline): Pathogenic/Likely pathogenic. Review status: criteria provided, multiple submitters, no conflicts (2 of 4 stars). 3 submissions from 3 submitters: Pathogenic (2); Likely pathogenic (1). Last evaluated 2025-04-08.

Conditions:
PURA-related disorder. Also called: PURA-related condition.
PURA-related severe neonatal hypotonia-seizures-encephalopathy syndrome (NEDRIHF). Also called: PURA-Related Neurodevelopmental Disorders; NEURODEVELOPMENTAL DISORDER WITH NEONATAL RESPIRATORY INSUFFICIENCY, HYPOTONIA, AND FEEDING DIFFICULTIES. Identifiers: Orphanet 438213, Orphanet 438216, MedGen C4015357, MONDO:1060108, OMIM 616158, MONDO:0018580.

Submissions (3):

Labcorp Genetics (formerly Invitae), Labcorp
Classification: Pathogenic for PURA-related severe neonatal hypotonia-seizures-encephalopathy syndrome. Last evaluated: 2025-04-08. Review status: criteria provided, single submitter. Criteria: Invitae Variant Classification Sherloc (09022015). Collection method: clinical testing. Allele origin: germline.
Comment: This sequence change creates a premature translational stop signal (p.Gly39Alafs*39) in the PURA gene. While this is not anticipated to result in nonsense mediated decay, it is expected to disrupt the last 284 amino acid(s) of the PURA protein. This variant is not present in population databases (gnomAD no frequency). This variant has not been reported in the literature in individuals affected with PURA-related conditions. ClinVar contains an entry for this variant (Variation ID: 3024540). This variant disrupts a region of the PURA protein in which other variant(s) (p.Tyr240*) have been determined to be pathogenic (internal data). This suggests that this is a clinically significant region of the protein, and that variants that disrupt it are likely to be disease-causing. For these reasons, this variant has been classified as Pathogenic.

PreventionGenetics, part of Exact Sciences
Classification: Likely pathogenic for PURA-related condition. Last evaluated: 2024-12-07. Review status: criteria provided, single submitter. Criteria: ACMG Guidelines, 2015. Collection method: clinical testing. Allele origin: germline.
Comment: The PURA c.116delG variant is predicted to result in a frameshift and premature protein termination (p.Gly39Alafs*39). To our knowledge, this variant has not been previously reported in the literature. This variant has not been reported in a large population database (gnomAD), indicating this variant is rare. Frameshift variants in PURA are expected to be pathogenic. This variant is interpreted as likely pathogenic.

Institute of Human Genetics, University of Leipzig Medical Center
Classification: Pathogenic for PURA-related severe neonatal hypotonia-seizures-encephalopathy syndrome. Last evaluated: 2024-02-22. Review status: criteria provided, single submitter. Criteria: ACMG Guidelines, 2015. Collection method: clinical testing. Allele origin: de novo. Inheritance: Autosomal dominant inheritance. Affected: yes.
Comment: Criteria applied: PVS1,PS2_MOD,PM2_SUP